The following is an entry in ClinVar:

NM_000283.4(PDE6B):c.466G>A (p.Glu156Lys)

Gene: PDE6B (phosphodiesterase 6B; plus strand). Cytogenetic location: 4p16.3.
Variant type: single nucleotide variant.
Coding change: c.466G>A on transcript NM_000283.4 (MANE Select); coding-DNA position 466, G replaced by A.
Protein change: p.Glu156Lys; replaces glutamic acid 156 with lysine.
Molecular consequence: missense variant.
Genome position (GRCh38, 1-based): chr4:626,092, G>A. VCF-style: chr4-626092-G-A. GRCh37 (hg19) VCF-style: chr4-619881-G-A.
Other names: c.466G>A, p.Glu156Lys (NM_001145291.2); short protein forms E156K.
Identifiers: ClinVar variation 1022892 (VCV001022892.11), dbSNP rs751982910, ClinGen allele CA2793951.

ClinVar aggregate classification (germline): Uncertain significance. Review status: criteria provided, multiple submitters, no conflicts (2 of 4 stars). 2 submissions from 2 submitters: Uncertain significance (2). Last evaluated 2025-11-11.

Allele frequency attached by ClinVar (database versions not stated): gnomAD 0.00001; gnomAD exomes 0.00001; TOPMed 0.00002; ExAC 0.00006.

Submissions (2):

Labcorp Genetics (formerly Invitae), Labcorp
Classification: Uncertain significance. Last evaluated: 2025-11-11. Review status: criteria provided, single submitter. Criteria: Invitae Variant Classification Sherloc (09022015). Collection method: clinical testing. Allele origin: germline.
Comment: This sequence change replaces glutamic acid, which is acidic and polar, with lysine, which is basic and polar, at codon 156 of the PDE6B protein (p.Glu156Lys). The frequency data for this variant in the population databases is considered unreliable, as metrics indicate poor data quality at this position in the gnomAD database. This variant has not been reported in the literature in individuals affected with PDE6B-related conditions. ClinVar contains an entry for this variant (Variation ID: 1022892). An algorithm developed to predict the effect of missense changes on protein structure and function (PolyPhen-2) suggests that this variant is likely to be tolerated. In summary, the available evidence is currently insufficient to determine the role of this variant in disease. Therefore, it has been classified as a Variant of Uncertain Significance.

Blueprint Genetics
Classification: Uncertain significance. Last evaluated: 2021-12-15. Review status: criteria provided, single submitter. Criteria: ACMG Guidelines, 2015. Collection method: clinical testing. Allele origin: germline.